The following is an entry in ClinVar:

ClinVar aggregate classification (germline): Pathogenic/Likely pathogenic. Review status: criteria provided, multiple submitters, no conflicts (2 of 4 stars). 6 submissions from 6 submitters: Pathogenic (4); Likely pathogenic (1). 1 of the submissions does not count toward it. Last evaluated 2025-09-29.

Conditions:
Stargardt disease 4 (STGD4). Identifiers: Orphanet 827, MedGen C1863534, MONDO:0011370, OMIM 603786.
Retinitis pigmentosa 41 (RP41). Also called: RETINAL DEGENERATION, AUTOSOMAL RECESSIVE, PROMININ-RELATED. Identifiers: Orphanet 791, MedGen C2677516, MONDO:0012796, OMIM 612095.
Retinal macular dystrophy type 2 (MCDR2). Also called: Bull's eye macular dystrophy. Identifiers: Orphanet 319640, MedGen C4749334, MONDO:0011957, OMIM 608051.
Cone-rod dystrophy 12 (CORD12). Identifiers: Orphanet 1872, MedGen C2675210, MONDO:0012983, OMIM 612657.
PROM1-related disorder. Also called: PROM1-related condition; PROM1-related disorders.
Leber congenital amaurosis 1 (LCA1). Also called: RETINAL BLINDNESS, CONGENITAL; AMAUROSIS CONGENITA OF LEBER I; Congenital absence of the rods and cones; Leber's congenital tapetoretinal degeneration; Leber's congenital tapetoretinal dysplasia. Identifiers: Orphanet 65, MedGen C2931258, MONDO:0008764, OMIM 204000.

Submissions (6):

Labcorp Genetics (formerly Invitae), Labcorp
Classification: Pathogenic. Last evaluated: 2025-09-29. Review status: criteria provided, single submitter. Criteria: Invitae Variant Classification Sherloc (09022015). Collection method: clinical testing. Allele origin: germline.
Comment: This sequence change creates a premature translational stop signal (p.His47Ilefs*12) in the PROM1 gene. It is expected to result in an absent or disrupted protein product. Loss-of-function variants in PROM1 are known to be pathogenic (PMID: 17605048, 19718270, 24154662, 25474345). This variant is present in population databases (rs747512450, gnomAD 0.04%). This premature translational stop signal has been observed in individual(s) with clinical features of autosomal recessive retinitis pigmentosa (PMID: 24938718, 31054281). ClinVar contains an entry for this variant (Variation ID: 694038). Algorithms developed to predict the effect of sequence changes on RNA splicing suggest that this variant may disrupt the consensus splice site. For these reasons, this variant has been classified as Pathogenic.

SingHealth Duke-NUS Institute of Precision Medicine
Classification: Likely pathogenic for Cone-rod dystrophy 12. Last evaluated: 2025-02-05. Review status: criteria provided, single submitter. Criteria: PRISM ACMG Classification Criteria. Collection method: clinical testing. Allele origin: germline. Affected: yes.
Comment: Variant is predicted to cause nonsense-mediated decay in a gene where LOF is a known cause of pathogenicity (PVS1). Variant is not found in gnomAD genomes, and homozygous allele count in gnomAD exomes is than 0 (PM2).

3billion
Classification: Pathogenic for Retinitis pigmentosa 41. Last evaluated: 2023-09-14. Review status: criteria provided, single submitter. Criteria: ACMG Guidelines, 2015. Collection method: clinical testing. Allele origin: germline. Affected: yes.
Comment: The variant is observed at an extremely low frequency in the gnomAD v2.1.1 dataset (total allele frequency: 0.003%). Predicted Consequence/Location: Frameshift: predicted to result in a loss or disruption of normal protein function through nonsense-mediated decay (NMD) or protein truncation. Multiple pathogenic variants are reported downstream of the variant. The variant has been reported to be in trans with a pathogenic variant as either compound heterozygous or homozygous in at least one similarly affected unrelated individual (PMID: 31836589). The variant has been reported at least twice as pathogenic without evidence for the classification (ClinVar ID: VCV000694038 /PMID: 24938718 /3billion dataset). Therefore, this variant is classified as Pathogenic according to the recommendation of ACMG/AMP guideline.

Blueprint Genetics
Classification: Pathogenic for PROM1-related disorders. Last evaluated: 2022-07-20. Review status: criteria provided, single submitter. Criteria: ACMG Guidelines, 2015. Collection method: clinical testing. Allele origin: germline. Affected: yes. Observed: 3 variant alleles.

Juno Genomics, Hangzhou Juno Genomics, Inc
Classification: Pathogenic for Cone-rod dystrophy 12; Retinal macular dystrophy type 2; Retinitis pigmentosa 41; Stargardt disease 4. Review status: criteria provided, single submitter. Criteria: ACMG Guidelines, 2015. Collection method: clinical testing. Allele origin: germline.
Comment: Absent from controls (or at extremely low frequency if recessive) in Genome Aggregation Database.;Null variant in a gene where loss of function (LOF) is a known mechanism of disease.;For recessive disorders, detected in trans with a pathogenic variant.;Patient's phenotype or family history is highly specific for a disease with a single genetic etiology.

Columbia University Laboratory of Personalized Genomic Medicine, Columbia University Medical Center
Classification: Pathogenic for Leber congenital amaurosis 1. Last evaluated: 2019-08-22. Review status: no assertion criteria provided. Collection method: research. Allele origin: inherited. Inheritance: Autosomal recessive inheritance. Affected: yes. Observed: 1 compound heterozygote. Not counted in ClinVar's aggregate classification.

Literature cited by the submitters: PubMed 17605048 (cited by Labcorp Genetics (formerly Invitae), Labcorp); PubMed 19718270 (cited by Labcorp Genetics (formerly Invitae), Labcorp); PubMed 24154662 (cited by Labcorp Genetics (formerly Invitae), Labcorp); PubMed 25474345 (cited by Labcorp Genetics (formerly Invitae), Labcorp); PubMed 24938718 (cited by Labcorp Genetics (formerly Invitae), Labcorp and 3billion); PubMed 31054281 (cited by Labcorp Genetics (formerly Invitae), Labcorp); PubMed 31836589 (cited by 3billion).

NM_006017.3(PROM1):c.139del (p.His47fs)

Gene: PROM1 (prominin 1; minus strand). Cytogenetic location: 4p15.32.
Variant type: Deletion.
Coding change: c.139del on transcript NM_006017.3 (MANE Select); coding-DNA position 139, one base deleted (C; older notation c.139delC).
Protein change: p.His47fs; shifts the reading frame from histidine 47.
Molecular consequence: frameshift variant.
Genome position (GRCh38, 1-based): chr4:16,075,768, G deleted on the plus strand (C on the coding strand, the reverse complement: PROM1 is on the minus strand); the first of 3 consecutive G bases (chr4:16,075,768-16,075,770); deleting any one gives the same sequence. VCF-style (leftmost placement, unchanged base first): chr4-16075767-TG-T. GRCh37 (hg19) VCF-style: chr4-16077390-TG-T.
Other names: c.139del, p.His47fs (NM_001145847.2, NM_001145848.2, NM_001145849.2 and 6 more transcripts); short protein forms H47fs.
Identifiers: ClinVar variation 694038 (VCV000694038.15), dbSNP rs747512450, ClinGen allele CA2867185.